The following is an entry in ClinVar:

NM_000168.6(GLI3):c.1462G>A (p.Ala488Thr)

Gene: GLI3 (GLI family zinc finger 3; minus strand). Cytogenetic location: 7p14.1.
Variant type: single nucleotide variant.
Coding change: c.1462G>A on transcript NM_000168.6 (MANE Select); coding-DNA position 1462, G replaced by A.
Protein change: p.Ala488Thr; replaces alanine 488 with threonine.
Molecular consequence: missense variant.
Genome position (GRCh38, 1-based): chr7:42,023,503, C>T on the plus strand (G>A on the coding strand, the complement: GLI3 is on the minus strand). VCF-style: chr7-42023503-C-T. GRCh37 (hg19) VCF-style: chr7-42063102-C-T.
Other names: short protein forms A488T.
Identifiers: ClinVar variation 360246 (VCV000360246.16), dbSNP rs756581886, ClinGen allele CA4230840.

ClinVar aggregate classification (germline): Conflicting classifications of pathogenicity. Review status: criteria provided, conflicting classifications (1 of 4 stars). 6 submissions from 4 submitters: Uncertain significance (1); Benign (1); Likely benign (3). 1 of the submissions does not count toward it. Last evaluated 2023-05-15.

Conditions:
Pallister-Hall syndrome (PHS). Also called: HYPOTHALAMIC HAMARTOBLASTOMA, HYPOPITUITARISM, IMPERFORATE ANUS, AND POSTAXIAL POLYDACTYLY; GLI3-Related Pallister-Hall Syndrome. Identifiers: Orphanet 672, MedGen C0265220, MONDO:0007804, OMIM 146510.
Greig cephalopolysyndactyly syndrome (GCPS). Also called: POLYSYNDACTYLY WITH PECULIAR SKULL SHAPE; Greig syndrome; GLI3-Related Greig Cephalopolysyndactyly Syndrome. Identifiers: Orphanet 380, MedGen C0265306, MONDO:0008287, OMIM 175700.
Polydactyly. Also called: polydactylism. Identifiers: MedGen C0152427, MONDO:0021003, OMIM 603596, HP:0010442.

Allele frequency attached by ClinVar (database versions not stated): TOPMed 0.00002; gnomAD 0.00003; gnomAD exomes 0.00004; ExAC 0.00007.
gnomAD v4.1: 95 of 1,613,984 alleles (0.0059%); highest among the groups gnomAD compares: Middle Eastern, 0.099%; no homozygotes.

Submissions (6):

Labcorp Genetics (formerly Invitae), Labcorp
Classification: Benign for Pallister-Hall syndrome; Greig cephalopolysyndactyly syndrome. Last evaluated: 2023-05-15. Review status: criteria provided, single submitter. Criteria: Invitae Variant Classification Sherloc (09022015). Collection method: clinical testing. Allele origin: germline.

GeneDx
Classification: Uncertain significance. Last evaluated: 2019-12-10. Review status: criteria provided, single submitter. Criteria: GeneDx Variant Classification Process June 2021. Collection method: clinical testing. Allele origin: germline. Affected: yes.
Comment: In silico analysis, which includes protein predictors and evolutionary conservation, supports that this variant does not alter protein structure/function; Has not been previously published as pathogenic or benign to our knowledge

Illumina Laboratory Services, Illumina
Classification: Likely benign for Greig cephalopolysyndactyly syndrome. Last evaluated: 2018-01-13. Review status: criteria provided, single submitter. Criteria: ICSL Variant Classification Criteria 13 December 2019. Collection method: clinical testing. Allele origin: germline.
Comment: This variant was observed in the ICSL laboratory as part of a predisposition screen in an ostensibly healthy population. It had not been previously curated by ICSL or reported in the Human Gene Mutation Database (HGMD: prior to June 1st, 2018), and was therefore a candidate for classification through an automated scoring system. Utilizing variant allele frequency, disease prevalence and penetrance estimates, and inheritance mode, an automated score was calculated to assess if this variant is too frequent to cause the disease. Based on the score and internal cut-off values, a variant classified as likely benign is not then subjected to further curation. The score for this variant resulted in a classification of likely benign for this disease.

Illumina Laboratory Services, Illumina
Classification: Likely benign for Pallister-Hall syndrome. Last evaluated: 2018-01-13. Review status: criteria provided, single submitter. Criteria: ICSL Variant Classification Criteria 13 December 2019. Collection method: clinical testing. Allele origin: germline.
Comment: the same text as in the submission from Illumina Laboratory Services, Illumina above.

Illumina Laboratory Services, Illumina
Classification: Likely benign for Polydactyly. Last evaluated: 2018-01-13. Review status: criteria provided, single submitter. Criteria: ICSL Variant Classification Criteria 13 December 2019. Collection method: clinical testing. Allele origin: germline.
Comment: the same text as in the submission from Illumina Laboratory Services, Illumina above.

Service de Génétique Moléculaire, Hôpital Robert Debré
Classification: Likely benign for Greig cephalopolysyndactyly syndrome. Review status: no assertion criteria provided. Collection method: clinical testing. Allele origin: unknown. Affected: yes. Not counted in ClinVar's aggregate classification.